The following is an entry in ClinVar:

ClinVar aggregate classification (germline): Pathogenic. Review status: criteria provided, multiple submitters, no conflicts (2 of 4 stars). 6 submissions from 6 submitters: Pathogenic (5). 1 of the submissions does not count toward it. Last evaluated 2026-09-30.

Conditions:
COL2A1-related disorder. Also called: COL2A1-related condition; COL2A1-related disorders.
Namaqualand hip dysplasia (OSCDP). Also called: Mild spondyloepiphyseal dysplasia due to COL2A1 mutation with early-onset osteoarthritis. Identifiers: Orphanet 93279, MedGen C0432214, MONDO:0011496, OMIM 604864.

Allele frequency attached by ClinVar (database versions not stated): gnomAD 0.00001.
gnomAD v4.1: 3 of 1,612,750 alleles (0.00019%); highest among the groups gnomAD compares: Non-Finnish European, 0.00025%; no homozygotes.

Submissions (6):

GeneDx
Classification: Pathogenic. Last evaluated: 2026-09-30. Review status: criteria provided, single submitter. Criteria: GeneDx Variant Classification Process June 2021. Collection method: clinical testing. Allele origin: germline.
Comment: In silico analysis supports that this missense variant has a deleterious effect on protein structure/function; Other missense variants that introduce a cysteine residue in the triple helical domain have been reported in association with COL2A1-related conditions (HGMD); Also known as p.Arg519Cys; This variant is associated with the following publications: (PMID: 37334733, 38702915, 40602718, 36142745, 32071555, 11708863, 26443184, 1985108, 37443051, 36682125, 1975693, 32510848, 32901917)

Labcorp Genetics (formerly Invitae), Labcorp
Classification: Pathogenic. Last evaluated: 2025-03-26. Review status: criteria provided, single submitter. Criteria: Invitae Variant Classification Sherloc (09022015). Collection method: clinical testing. Allele origin: germline.
Comment: This sequence change replaces arginine, which is basic and polar, with cysteine, which is neutral and slightly polar, at codon 719 of the COL2A1 protein (p.Arg719Cys). This variant is present in population databases (rs121912865, gnomAD 0.007%). This missense change has been observed in individual(s) with autosomal dominant osteoarthritis with mild chondrodysplasia or early-onset osteoarthritis (PMID: 1975693, 1985108, 26443184). It has also been observed to segregate with disease in related individuals. This variant is also known as p.Arg519Cys. ClinVar contains an entry for this variant (Variation ID: 17353). Invitae Evidence Modeling of protein sequence and biophysical properties (such as structural, functional, and spatial information, amino acid conservation, physicochemical variation, residue mobility, and thermodynamic stability) has been performed for this missense variant. However, the output from this modeling did not meet the statistical confidence thresholds required to predict the impact of this variant on COL2A1 protein function. For these reasons, this variant has been classified as Pathogenic.

Blueprint Genetics
Classification: Pathogenic for COL2A1-related disorders. Last evaluated: 2024-04-23. Review status: criteria provided, single submitter. Criteria: ACMG Guidelines, 2015. Collection method: clinical testing. Allele origin: germline. Affected: yes. Observed: 2 variant alleles.

Clinical Genetics Laboratory, Skane University Hospital Lund
Classification: Pathogenic. Last evaluated: 2023-10-04. Review status: criteria provided, single submitter. Criteria: ACMG Guidelines, 2015. Collection method: clinical testing. Allele origin: germline. Affected: yes.

Zankl Lab, University of Sydney
Classification: Pathogenic for Namaqualand hip dysplasia. Last evaluated: 2023-03-15. Review status: criteria provided, single submitter. Criteria: ACMG Guidelines, 2015. Collection method: clinical testing. Allele origin: germline. Inheritance: Autosomal dominant inheritance. Affected: yes.
Comment: This variant (sometimes referred to as p.Arg519Cys in older literature) is very rare in the general population and has been identified in several other families with a similar phenotype (PMID: 16155195, 1975693, 1985108, 26443184). Type II collagen is a major constituent of articular cartilage. The variant leads to substitution of an Arginine with a Cysteine molecule in the triple helix domain of type II collagen. Functional studies suggest that this leads to abnormal assembly of type II collagen fibrils (PMID: 10372559).

OMIM
Classification: Pathogenic for OSTEOARTHRITIS WITH MILD CHONDRODYSPLASIA. Last evaluated: 1998-01-01. Review status: no assertion criteria provided. Collection method: literature only. Allele origin: germline. Not counted in ClinVar's aggregate classification.

Literature cited by the submitters: PubMed 1975693 (cited by 3 submitters); PubMed 1985108 (cited by 3 submitters); PubMed 26443184 (cited by Labcorp Genetics (formerly Invitae), Labcorp and Zankl Lab, University of Sydney); PubMed 16155195 (cited by Zankl Lab, University of Sydney); PubMed 10372559 (cited by Zankl Lab, University of Sydney); Knowlton, R. G., Katzenstein, P., Moskowitz, R. W., Weaver, E. J., Jimenez, S. A., Pathria, M. N., Malemud, C. J., Prockop, D. J. Genetic linkage of the type II procollagen gene to primary generalized osteoarthritis with chondrodysplasia. (Abstract) Cytogenet. Cell Genet. 51: 1024-only, 1989. (cited by OMIM); PubMed 8507190 (cited by OMIM); PubMed 7757086 (cited by OMIM); PubMed 9711874 (cited by OMIM).

NM_001844.5(COL2A1):c.2155C>T (p.Arg719Cys)

Gene: COL2A1 (collagen type II alpha 1 chain; minus strand). Cytogenetic location: 12q13.11.
Variant type: single nucleotide variant.
Coding change: c.2155C>T on transcript NM_001844.5 (MANE Select); coding-DNA position 2155, C replaced by T.
Protein change: p.Arg719Cys; replaces arginine 719 with cysteine.
Molecular consequence: missense variant.
Genome position (GRCh38, 1-based): chr12:47,982,886, G>A on the plus strand (C>T on the coding strand, the complement: COL2A1 is on the minus strand). VCF-style: chr12-47982886-G-A. GRCh37 (hg19) VCF-style: chr12-48376669-G-A.
Other names: R519C; c.1948C>T, p.Arg650Cys (NM_033150.3); c.2155C>T (NM_001844.4); short protein forms R650C, R719C.
Identifiers: ClinVar variation 17353 (VCV000017353.13), dbSNP rs121912865, ClinGen allele CA127154.
Genomic context (GRCh38, chr12:47,982,886, plus strand): 5'-TACAGGATGCAGCCTCACTTACTTTGGGACCATCAGTGCCAGGAGTGCCGGGGAGGCCAC[G>A]GGGACCCTGGAGGCCCTGGGCACCGGGAGAGCCACGTTCACCTGGGAAACCTCGTTCACC-3'
Protein context (NP_001835.3, residues 709-729): SPGAQGLQGP[Arg719Cys]GLPGTPGTDG